The following is an entry in ClinVar:

NM_005654.6(NR2F1):c.*10G>A

Gene: NR2F1 (nuclear receptor subfamily 2 group F member 1; plus strand). Cytogenetic location: 5q15.
Variant type: single nucleotide variant.
Coding change: c.*10G>A on transcript NM_005654.6 (MANE Select); 10 bases downstream of the stop codon, G replaced by A.
Molecular consequence: 3 prime UTR variant.
Genome position (GRCh38, 1-based): chr5:93,593,852, G>A. VCF-style: chr5-93593852-G-A. GRCh37 (hg19) VCF-style: chr5-92929558-G-A.
Other names: c.*10G>A (NM_005654.5).
Identifiers: ClinVar variation 1282679 (VCV001282679.4), dbSNP rs577470913, ClinGen allele CA3343262.

ClinVar aggregate classification (germline): Benign/Likely benign. Review status: criteria provided, multiple submitters, no conflicts (2 of 4 stars). 3 submissions from 3 submitters: Benign (1); Likely benign (1). 1 of the submissions does not count toward it. Last evaluated 2024-11-20.

Conditions:
NR2F1-related disorder. Also called: NR2F1-related condition.

Allele frequency attached by ClinVar (database versions not stated): gnomAD 0.00001 and 0.00006; TOPMed 0.00002; gnomAD exomes 0.00012 and 0.00025; ExAC 0.00024.
gnomAD v4.1: 181 of 1,611,196 alleles (0.011%); highest among the groups gnomAD compares: South Asian, 0.17%; 4 homozygotes.

Submissions (3):

Blueprint Genetics
Classification: Likely benign. Last evaluated: 2024-11-20. Review status: criteria provided, single submitter. Criteria: ACMG Guidelines, 2015. Collection method: clinical testing. Allele origin: germline.

GeneDx
Classification: Benign. Last evaluated: 2021-03-30. Review status: criteria provided, single submitter. Criteria: GeneDx Variant Classification Process June 2021. Collection method: clinical testing. Allele origin: germline. Affected: yes.

PreventionGenetics, part of Exact Sciences
Classification: Likely benign for NR2F1-related condition. Last evaluated: 2019-03-14. Review status: no assertion criteria provided. Collection method: clinical testing. Allele origin: germline. Not counted in ClinVar's aggregate classification.
Comment: This variant is classified as likely benign based on ACMG/AMP sequence variant interpretation guidelines (Richards et al. 2015 PMID: 25741868, with internal and published modifications).